The following is an entry in ClinVar:

NM_004984.4(KIF5A):c.118G>A (p.Val40Ile)

Gene: KIF5A (kinesin family member 5A; plus strand). Cytogenetic location: 12q13.3.
Variant type: single nucleotide variant.
Coding change: c.118G>A on transcript NM_004984.4 (MANE Select); coding-DNA position 118, G replaced by A.
Protein change: p.Val40Ile; replaces valine 40 with isoleucine.
Molecular consequence: missense variant.
Genome position (GRCh38, 1-based): chr12:57,550,389, G>A. VCF-style: chr12-57550389-G-A. GRCh37 (hg19) VCF-style: chr12-57944172-G-A.
Other names: c.118G>A, p.Val40Ile (NM_001354705.2); short protein forms V40I.
Identifiers: ClinVar variation 1512560 (VCV001512560.22), dbSNP rs1565690660, ClinGen allele CA385496390.

ClinVar aggregate classification (germline): Conflicting classifications of pathogenicity. Review status: criteria provided, conflicting classifications (1 of 4 stars). 2 submissions from 2 submitters: Uncertain significance (1); Likely benign (1). Last evaluated 2026-01-12.

Conditions:
Spastic paraplegia. Identifiers: MedGen C0037772, HP:0001258.

Allele frequency attached by ClinVar (database versions not stated): gnomAD exomes below 0.00001 and 0.00001; TOPMed 0.00001.
gnomAD v4.1: 15 of 1,614,186 alleles (0.00093%); highest among the groups gnomAD compares: Non-Finnish European, 0.0011%; no homozygotes.

Submissions (2):

Labcorp Genetics (formerly Invitae), Labcorp
Classification: Likely benign for Spastic paraplegia. Last evaluated: 2026-01-12. Review status: criteria provided, single submitter. Criteria: Invitae Variant Classification Sherloc (09022015). Collection method: clinical testing. Allele origin: germline.

CeGaT Center for Human Genetics Tuebingen
Classification: Uncertain significance. Last evaluated: 2025-09-01. Review status: criteria provided, single submitter. Criteria: CeGaT Center For Human Genetics Tuebingen Variant Classification Criteria Version 2. Collection method: clinical testing. Allele origin: germline. Affected: yes. Observed: 2 variant alleles.
Comment: KIF5A: PP2, BP4